The following is an entry in ClinVar:

ClinVar aggregate classification (germline): Pathogenic (1 of 4 stars; one submission).

Conditions:
VPS13A-related neurodegenerative disease. Also called: ACANTHOCYTOSIS WITH NEUROLOGIC DISORDER; LEVINE-CRITCHLEY SYNDROME; Choreoacanthocytosis; Chorea-acanthocytosis; Choreaacanthocytosis; VPS13A Disease. Identifiers: Orphanet 2388, MedGen C0393576, MONDO:0008695, OMIM 200150.

Submission:

Myriad Genetics, Inc.
Classification: Pathogenic for VPS13A-related neurodegenerative disease. Last evaluated: 2024-05-14. Review status: criteria provided, single submitter. Criteria: Myriad Autosomal Dominant, Autosomal Recessive and X-Linked Classification Criteria (2023). Collection method: clinical testing. Allele origin: unknown.
Comment: NM_033305.2(VPS13A):c.3480_3481ins8(V1161Lfs*15) is expected to be pathogenic in the context of VPS13A disease. This variant is predicted to lead to an abnormal or absent protein product due to the creation of a premature termination codon in VPS13A, a gene where loss-of-function variants are known to be pathogenic. Please note: this variant was assessed in the context of healthy population screening.

NM_033305.3(VPS13A):c.3480_3481insCTCTTTTG (p.Val1161fs)

Gene: VPS13A (vacuolar protein sorting 13 homolog A; plus strand). Cytogenetic location: 9q21.2.
Variant type: Insertion.
Coding change: c.3480_3481insCTCTTTTG on transcript NM_033305.3 (MANE Select); coding-DNA positions 3480 to 3481, CTCTTTTG inserted.
Protein change: p.Val1161fs; shifts the reading frame from valine 1161.
Molecular consequence: frameshift variant.
Genome position: GRCh38 VCF-style: chr9-77293481-T-TCTCTTTTG. GRCh37 (hg19) VCF-style: chr9-79908397-T-TCTCTTTTG.
Other names: c.3363_3364insCTCTTTTG, p.Val1122fs (NM_001018037.2); c.3480_3481insCTCTTTTG, p.Val1161fs (NM_001018038.3, NM_015186.4); short protein forms V1122fs, V1161fs.
Identifiers: ClinVar variation 5010996 (VCV005010996.1).